The following is an entry in ClinVar:

NM_015599.3(PGM3):c.94G>C (p.Ala32Pro)

Gene: PGM3 (phosphoglucomutase 3; minus strand). Cytogenetic location: 6q14.1.
Variant type: single nucleotide variant.
Coding change: c.94G>C on transcript NM_015599.3 (MANE Select); coding-DNA position 94, G replaced by C.
Protein change: p.Ala32Pro; replaces alanine 32 with proline.
Molecular consequence: missense variant. On other transcripts: non-coding transcript variant (1), intron variant (1).
Genome position (GRCh38, 1-based): chr6:83,190,919, C>G on the plus strand (G>C on the coding strand, the complement: PGM3 is on the minus strand). VCF-style: chr6-83190919-C-G. GRCh37 (hg19) VCF-style: chr6-83900638-C-G.
Other names: c.178G>C, p.Ala60Pro (NM_001199917.2, NM_001367287.1); c.94G>C, p.Ala32Pro (NM_001199919.2, NM_001367286.1); c.-39-2121G>C (NM_001199918.2); short protein forms A32P, A60P.
Identifiers: ClinVar variation 969016 (VCV000969016.6), dbSNP rs773608450, ClinGen allele CA141911770.

ClinVar aggregate classification (germline): Uncertain significance (1 of 4 stars; one submission).

Conditions:
Immunodeficiency 23 (IMD23). Also called: IMMUNODEFICIENCY WITH HYPER IgE AND COGNITIVE IMPAIRMENT; IMMUNODEFICIENCY-VASCULITIS-MYOCLONUS SYNDROME. Identifiers: Orphanet 443811, MedGen C4014371, MONDO:0014353, OMIM 615816.

gnomAD v4.1: 4 of 1,614,124 alleles (0.00025%); highest among the groups gnomAD compares: Middle Eastern, 0.016%; 1 homozygote.

Submission:

Labcorp Genetics (formerly Invitae), Labcorp
Classification: Uncertain significance for Immunodeficiency 23. Last evaluated: 2022-11-01. Review status: criteria provided, single submitter. Criteria: Invitae Variant Classification Sherloc (09022015). Collection method: clinical testing. Allele origin: germline.
Comment: This sequence change replaces alanine, which is neutral and non-polar, with proline, which is neutral and non-polar, at codon 60 of the PGM3 protein (p.Ala60Pro). This variant is not present in population databases (gnomAD no frequency). This variant has not been reported in the literature in individuals affected with PGM3-related conditions. ClinVar contains an entry for this variant (Variation ID: 969016). Algorithms developed to predict the effect of missense changes on protein structure and function are either unavailable or do not agree on the potential impact of this missense change (SIFT: "Deleterious"; PolyPhen-2: "Probably Damaging"; Align-GVGD: "Class C0"). In summary, the available evidence is currently insufficient to determine the role of this variant in disease. Therefore, it has been classified as a Variant of Uncertain Significance.